The following is an entry in ClinVar:

ClinVar aggregate classification (germline): Uncertain significance (1 of 4 stars; one submission).

gnomAD v4.1: 7 of 1,598,182 alleles (0.00044%); highest among the groups gnomAD compares: African/African-American, 0.0081%; no homozygotes.

Submission:

Ambry Genetics
Classification: Uncertain significance. Last evaluated: 2025-06-04. Review status: criteria provided, single submitter. Criteria: Ambry Variant Classification Scheme 2023. Collection method: clinical testing. Allele origin: germline.
Comment: The c.85-1G>C intronic variant results from a G to C substitution one nucleotide upstream from coding exon 2 of the RAD51B gene. This nucleotide position is highly conserved in available vertebrate species. In silico splice site analysis predicts that this alteration will weaken the native splice acceptor site and may result in the creation or strengthening of a novel splice acceptor site. Alterations that disrupt the canonical splice site are expected to cause aberrant splicing, resulting in an abnormal protein or a transcript that is subject to nonsense-mediated mRNA decay. The evidence for this gene-disease relationship is limited; therefore, the clinical significance of this alteration is unclear.

NM_133510.4(RAD51B):c.85-1G>C

Gene: RAD51B (RAD51 paralog B; plus strand). Cytogenetic location: 14q24.1.
Variant type: single nucleotide variant.
Coding change: c.85-1G>C on transcript NM_133510.4 (MANE Select); the canonical splice acceptor site of the intron before coding-DNA position 85, G replaced by C.
Molecular consequence: splice acceptor variant.
Genome position (GRCh38, 1-based): chr14:67,825,463, G>C. VCF-style: chr14-67825463-G-C. GRCh37 (hg19) VCF-style: chr14-68292180-G-C.
Other names: c.85-1G>C (NM_001321818.2, NM_001321809.2, NM_001321821.2 and 6 more transcripts); c.-371-1G>C (NM_001321817.2); c.-30-1G>C (NM_001321815.1).
Identifiers: ClinVar variation 3942254 (VCV003942254.1).